The following is an entry in ClinVar:

NM_001291415.2(KDM6A):c.42CGC[1] (p.Ala16_Ala17del)

Gene: KDM6A (lysine demethylase 6A; plus strand). Cytogenetic location: Xp11.3.
Variant type: Microsatellite.
Coding change: c.42CGC[1] on transcript NM_001291415.2 (MANE Select); one copy of the 3-base unit CGC starting at c.42; the reference has three copies in a row; two copies, 6 bases deleted.
Protein change: p.Ala16_Ala17del.
Molecular consequence: 5 prime UTR variant (on NM_001291421.2). On other transcripts: non-coding transcript variant (1).
Genome position (GRCh38, 1-based): chrX:44,873,596-44,873,601, CGCCGC deleted; deleting any 6 consecutive bases within chrX:44,873,591-44,873,601 gives the same sequence; the position shown is the placement nearest the transcript's 3' end. VCF-style (leftmost placement, unchanged base first): chrX-44873590-TGCCGCC-T. GRCh37 (hg19) VCF-style: chrX-44732836-TGCCGCC-T.
Other names: c.42CGC[1], p.Ala16_Ala17del (NM_001291416.2, NM_001291417.2, NM_001291418.2 and 9 more transcripts); c.-591CGC[1] (NM_001291421.2).
Identifiers: ClinVar variation 3699603 (VCV003699603.2).
Genomic context (GRCh38, chrX:44,873,590, plus strand): 5'-GTTGTGAATTCGCTGCGTTTCCATGAAATCCTGCGGAGTGTCGCTCGCTACCGCCGCCGC[TGCCGCC>T]GCCGCTTTCGGTGATGAGGAAAAGAAAATGGCGGCGGGAAAAGCGAGCGGCGAGAGCGAG-3'

ClinVar aggregate classification (germline): Uncertain significance (1 of 4 stars; one submission).

Conditions:
Kabuki syndrome 2 (KABUK2). Also called: KDM6A-Related Kabuki Syndrome. Identifiers: Orphanet 2322, MedGen C3275495, MONDO:0010465, OMIM 300867.

Submission:

Labcorp Genetics (formerly Invitae), Labcorp
Classification: Uncertain significance for Kabuki syndrome 2. Last evaluated: 2024-12-27. Review status: criteria provided, single submitter. Criteria: Invitae Variant Classification Sherloc (09022015). Collection method: clinical testing. Allele origin: germline.
Comment: This variant, c.45_50del, results in the deletion of 2 amino acid(s) of the KDM6A protein (p.Ala16_Ala17del), but otherwise preserves the integrity of the reading frame. This variant is not present in population databases (gnomAD no frequency). This variant has not been reported in the literature in individuals affected with KDM6A-related conditions. Experimental studies and prediction algorithms are not available or were not evaluated, and the functional significance of this variant is currently unknown. In summary, the available evidence is currently insufficient to determine the role of this variant in disease. Therefore, it has been classified as a Variant of Uncertain Significance.